The following is an entry in ClinVar:

ClinVar aggregate classification (germline): Uncertain significance (1 of 4 stars; one submission).

Submission:

Labcorp Genetics (formerly Invitae), Labcorp
Classification: Uncertain significance. Last evaluated: 2023-06-24. Review status: criteria provided, single submitter. Criteria: Invitae Variant Classification Sherloc (09022015). Collection method: clinical testing. Allele origin: germline.
Comment: This sequence change replaces proline, which is neutral and non-polar, with leucine, which is neutral and non-polar, at codon 15 of the POLD2 protein (p.Pro15Leu). This variant is not present in population databases (gnomAD no frequency). This variant has not been reported in the literature in individuals affected with POLD2-related conditions. Experimental studies and prediction algorithms are not available or were not evaluated, and the functional significance of this variant is currently unknown. In summary, the available evidence is currently insufficient to determine the role of this variant in disease. Therefore, it has been classified as a Variant of Uncertain Significance.

NM_006230.4(POLD2):c.-62C>T

Gene: POLD2 (DNA polymerase delta 2, accessory subunit; minus strand). Cytogenetic location: 7p13.
Variant type: single nucleotide variant.
Coding change: c.-62C>T on transcript NM_006230.4 (MANE Select); 62 bases upstream of the start codon, C replaced by T.
Molecular consequence: 5 prime UTR variant.
Genome position (GRCh38, 1-based): chr7:44,123,516, G>A on the plus strand (C>T on the coding strand, the complement: POLD2 is on the minus strand). VCF-style: chr7-44123516-G-A. GRCh37 (hg19) VCF-style: chr7-44163115-G-A.
Other names: c.-235C>T (NM_001127218.3); c.-658C>T (NM_001256879.2).
Identifiers: ClinVar variation 2877347 (VCV002877347.3), dbSNP rs1228065308, ClinGen allele CA367388632.